The following is an entry in ClinVar:

ClinVar aggregate classification (germline): Pathogenic (1 of 4 stars; one submission).

Conditions:
Ehlers-Danlos syndrome due to tenascin-X deficiency (EDSCLL1). Also called: TNXB-Related Classical-Like Ehlers-Danlos Syndrome; TNX DEFICIENCY; EHLERS-DANLOS SYNDROME, CLASSIC-LIKE; Ehlers-Danlos syndrome, classic-like, 1; EDS DUE TO TNX DEFICIENCY. Identifiers: Orphanet 230839, MedGen C1848029, MONDO:0011670, OMIM 606408.

Submission:

Women's Health and Genetics/Laboratory Corporation of America, LabCorp
Classification: Pathogenic for Ehlers-Danlos syndrome due to tenascin-X deficiency. Last evaluated: 2024-12-24. Review status: criteria provided, single submitter. Criteria: LabCorp Variant Classification Summary - May 2015. Collection method: clinical testing. Allele origin: germline.
Comment: Variant summary: TNXB c.7056_7063delTGAGGACA (p.His2352GlnfsX56) results in a premature termination codon, predicted to cause absence of the protein due to nonsense mediated decay, which is a commonly known mechanism for disease. The variant was absent in 1613218 chromosomes in gnomAD v.4.1. To our knowledge, no occurrence of c.7056_7063delTGAGGACA in individuals affected with Ehlers-Danlos syndrome due to tenascin-X deficiency and no experimental evidence demonstrating its impact on protein function have been reported. No submitters have cited clinical-significance assessments for this variant to ClinVar. Based on the evidence outlined above, the variant was classified as pathogenic.

NM_001365276.2(TNXB):c.7056_7063del (p.His2352fs)

Gene: TNXB (tenascin XB; minus strand). Cytogenetic location: 6p21.33.
Variant type: Deletion.
Coding change: c.7056_7063del on transcript NM_001365276.2 (MANE Select); coding-DNA positions 7056 to 7063, 8 bases deleted (TGAGGACA; older notation c.7056_7063delTGAGGACA).
Protein change: p.His2352fs; shifts the reading frame from histidine 2352.
Molecular consequence: frameshift variant.
Genome position (GRCh38, 1-based): chr6:32,062,262-32,062,269, TGTCCTCA deleted on the plus strand (TGAGGACA on the coding strand, the reverse complement: TNXB is on the minus strand); deleting any 8 consecutive bases within chr6:32,062,262-32,062,275 gives the same sequence; the c. name uses the placement nearest the transcript's 3' end. VCF-style (leftmost placement, unchanged base first): chr6-32062261-CTGTCCTCA-C. GRCh37 (hg19) VCF-style: chr6-32030038-CTGTCCTCA-C.
Other names: c.7797_7804del, p.His2599fs (NM_001428335.1); c.7056_7063del, p.His2352fs (NM_019105.8); c.7056_7063delTGAGGACA (NM_019105.8); short protein forms H2352fs, H2599fs.
Identifiers: ClinVar variation 3768456 (VCV003768456.1).